The following is an entry in ClinVar:

ClinVar aggregate classification (germline): Uncertain significance (1 of 4 stars; one submission).

Submission:

Women's Health and Genetics/Laboratory Corporation of America, LabCorp
Classification: Uncertain significance. Last evaluated: 2024-05-28. Review status: criteria provided, single submitter. Criteria: LabCorp Variant Classification Summary - May 2015. Collection method: clinical testing. Allele origin: germline.
Comment: Variant summary: FLG c.1478A>G (p.Gln493Arg) results in a conservative amino acid change in the encoded protein sequence. Three of five in-silico tools predict a benign effect of the variant on protein function. The variant was absent in 251462 control chromosomes (gnomAD). The available data on variant occurrences in the general population are insufficient to allow any conclusion about variant significance. To our knowledge, no occurrence of c.1478A>G in individuals affected with Ichthyosis Vulgaris and no experimental evidence demonstrating its impact on protein function have been reported. No submitters have cited clinical-significance assessments for this variant to ClinVar. Based on the evidence outlined above, the variant was classified as uncertain significance.

NM_002016.2(FLG):c.1478A>G (p.Gln493Arg)

Genes: CCDST (cervical cancer associated DHX9 suppressive transcript; plus strand), FLG (filaggrin; minus strand). Cytogenetic location: 1q21.3.
Variant type: single nucleotide variant.
Coding change: c.1478A>G on transcript NM_002016.2 (MANE Select); coding-DNA position 1478, A replaced by G.
Protein change: p.Gln493Arg; replaces glutamine 493 with arginine.
Molecular consequence: missense variant.
Genome position (GRCh38, 1-based): chr1:152,313,408, T>C on the plus strand (A>G on the coding strand, the complement: FLG is on the minus strand). VCF-style: chr1-152313408-T-C. GRCh37 (hg19) VCF-style: chr1-152285884-T-C.
Other names: short protein forms Q493R.
Identifiers: ClinVar variation 3336341 (VCV003336341.1).